The following is an entry in ClinVar:

ClinVar aggregate classification (germline): Uncertain significance. Review status: criteria provided, multiple submitters, no conflicts (2 of 4 stars). 2 submissions from 2 submitters: Uncertain significance (2). Last evaluated 2020-07-02.

Conditions:
Microcephaly, normal intelligence and immunodeficiency (NBS). Also called: SEEMANOVA SYNDROME II; Immunodeficiency, microcephaly with normal intelligence; IMMUNODEFICIENCY, MICROCEPHALY, AND CHROMOSOMAL INSTABILITY; Nijmegen breakage syndrome; Microcephaly with normal intelligence immunodeficiency and lymphoreticular malignancies; Nonsyndromal microcephaly autosomal recessive with normal intelligence. Identifiers: Orphanet 647, MedGen C0398791, MONDO:0009623, OMIM 251260.
Hereditary cancer-predisposing syndrome. Also called: Neoplastic Syndromes, Hereditary; Hereditary Cancer Syndrome; Tumor predisposition; Hereditary neoplastic syndrome. Identifiers: Orphanet 140162, MedGen C0027672, MeSH D009386, MONDO:0015356.

Submissions (2):

Labcorp Genetics (formerly Invitae), Labcorp
Classification: Uncertain significance for Microcephaly, normal intelligence and immunodeficiency. Last evaluated: 2020-07-02. Review status: criteria provided, single submitter. Criteria: Invitae Variant Classification Sherloc (09022015). Collection method: clinical testing. Allele origin: germline.
Comment: In summary, the available evidence is currently insufficient to determine the role of this variant in disease. Therefore, it has been classified as a Variant of Uncertain Significance. Algorithms developed to predict the effect of missense changes on protein structure and function output the following: SIFT: "Tolerated"; PolyPhen-2: "Benign"; Align-GVGD: "Class C0". The cysteine amino acid residue is found in multiple mammalian species, suggesting that this missense change does not adversely affect protein function. These predictions have not been confirmed by published functional studies and their clinical significance is uncertain. This variant has not been reported in the literature in individuals with NBN-related conditions. This variant is not present in population databases (ExAC no frequency). This sequence change replaces serine with cysteine at codon 673 of the NBN protein (p.Ser673Cys). The serine residue is weakly conserved and there is a moderate physicochemical difference between serine and cysteine.

Ambry Genetics
Classification: Uncertain significance for Hereditary cancer-predisposing syndrome. Last evaluated: 2020-03-24. Review status: criteria provided, single submitter. Criteria: Ambry Variant Classification Scheme 2023. Collection method: clinical testing. Allele origin: germline.
Comment: The p.S673C variant (also known as c.2018C>G), located in coding exon 13 of the NBN gene, results from a C to G substitution at nucleotide position 2018. The serine at codon 673 is replaced by cysteine, an amino acid with dissimilar properties. This amino acid position is poorly conserved in available vertebrate species. In addition, this alteration is predicted to be tolerated by in silico analysis. Since supporting evidence is limited at this time, the clinical significance of this alteration remains unclear.

NM_002485.5(NBN):c.2018C>G (p.Ser673Cys)

Gene: NBN (nibrin; minus strand). Cytogenetic location: 8q21.3.
Variant type: single nucleotide variant.
Coding change: c.2018C>G on transcript NM_002485.5 (MANE Select); coding-DNA position 2018, C replaced by G.
Protein change: p.Ser673Cys; replaces serine 673 with cysteine.
Molecular consequence: missense variant.
Genome position (GRCh38, 1-based): chr8:89,946,192, G>C on the plus strand (C>G on the coding strand, the complement: NBN is on the minus strand). VCF-style: chr8-89946192-G-C. GRCh37 (hg19) VCF-style: chr8-90958420-G-C.
Other names: c.1772C>G, p.Ser591Cys (NM_001024688.3); short protein forms S673C, S591C.
Identifiers: ClinVar variation 1035880 (VCV001035880.11), dbSNP rs1810179050, ClinGen allele CA371676433.
Genomic context (GRCh38, chr8:89,946,192, plus strand): 5'-ATACCTACCTTTTTGAATTTCTTGAAATTTTTTAGTTGACCATAATCATCATTTATGCCA[G>C]ATGGATTTCTGGAAGTAGAGTTTTTAATCACCAGTGATCTAAATTCAGTCAATAACAGCT-3'
Protein context (NP_002476.2, residues 663-683): VIKNSTSRNP[Ser673Cys]GINDDYGQLK